The following is an entry in ClinVar:

ClinVar aggregate classification (germline): Uncertain significance (1 of 4 stars; one submission).

Submission:

CeGaT Center for Human Genetics Tuebingen
Classification: Uncertain significance. Last evaluated: 2025-03-01. Review status: criteria provided, single submitter. Criteria: CeGaT Center For Human Genetics Tuebingen Variant Classification Criteria Version 2. Collection method: clinical testing. Allele origin: germline. Affected: yes. Observed: 1 variant allele.
Comment: PROM1: PM2, BP4

NM_006017.3(PROM1):c.2186A>G (p.Asn729Ser)

Gene: PROM1 (prominin 1; minus strand). Cytogenetic location: 4p15.32.
Variant type: single nucleotide variant.
Coding change: c.2186A>G on transcript NM_006017.3 (MANE Select); coding-DNA position 2186, A replaced by G.
Protein change: p.Asn729Ser; replaces asparagine 729 with serine.
Molecular consequence: missense variant.
Genome position (GRCh38, 1-based): chr4:15,985,982, T>C on the plus strand (A>G on the coding strand, the complement: PROM1 is on the minus strand). VCF-style: chr4-15985982-T-C. GRCh37 (hg19) VCF-style: chr4-15987605-T-C.
Other names: c.2159A>G, p.Asn720Ser (NM_001145847.2, NM_001145848.2, NM_001145851.2 and 4 more transcripts); c.2186A>G, p.Asn729Ser (NM_001145849.2, NM_001145850.2); short protein forms N720S, N729S.
Identifiers: ClinVar variation 3778371 (VCV003778371.7).